The following is an entry in ClinVar:

NM_001999.4(FBN2):c.6160T>A (p.Cys2054Ser)

Gene: FBN2 (fibrillin 2; minus strand). Cytogenetic location: 5q23.3.
Variant type: single nucleotide variant.
Coding change: c.6160T>A on transcript NM_001999.4 (MANE Select); coding-DNA position 6160, T replaced by A.
Protein change: p.Cys2054Ser; replaces cysteine 2054 with serine.
Molecular consequence: missense variant.
Genome position (GRCh38, 1-based): chr5:128,300,823, A>T on the plus strand (T>A on the coding strand, the complement: FBN2 is on the minus strand). VCF-style: chr5-128300823-A-T. GRCh37 (hg19) VCF-style: chr5-127636515-A-T.
Other names: short protein forms C2054S.
Identifiers: ClinVar variation 2762870 (VCV002762870.3), dbSNP rs2479711389, ClinGen allele CA360766167.

ClinVar aggregate classification (germline): Uncertain significance (1 of 4 stars; one submission).

Conditions:
Congenital contractural arachnodactyly (CCA). Also called: BEALS SYNDROME; Arthrogryposis, distal, type 9; Beals-Hecht syndrome. Identifiers: Orphanet 115, MedGen C0220668, MONDO:0007363, OMIM 121050.

Submission:

Labcorp Genetics (formerly Invitae), Labcorp
Classification: Uncertain significance for Congenital contractural arachnodactyly. Last evaluated: 2023-09-23. Review status: criteria provided, single submitter. Criteria: Invitae Variant Classification Sherloc (09022015). Collection method: clinical testing. Allele origin: germline.
Comment: In summary, the available evidence is currently insufficient to determine the role of this variant in disease. Therefore, it has been classified as a Variant of Uncertain Significance. Advanced modeling of protein sequence and biophysical properties (such as structural, functional, and spatial information, amino acid conservation, physicochemical variation, residue mobility, and thermodynamic stability) performed at Invitae indicates that this missense variant is expected to disrupt FBN2 protein function. This variant has not been reported in the literature in individuals affected with FBN2-related conditions. This variant is not present in population databases (gnomAD no frequency). This sequence change replaces cysteine, which is neutral and slightly polar, with serine, which is neutral and polar, at codon 2054 of the FBN2 protein (p.Cys2054Ser).